The following is an entry in ClinVar:

ClinVar aggregate classification (germline): Uncertain significance (1 of 4 stars; one submission).

Conditions:
Inborn genetic diseases. Identifiers: MedGen C0950123, MeSH D030342.

gnomAD v4.1: 1 of 1,614,154 alleles (0.000062%); highest among the groups gnomAD compares: African/African-American, 0.0013%; no homozygotes.

Submission:

Ambry Genetics
Classification: Uncertain significance for Inborn genetic diseases. Last evaluated: 2023-10-01. Review status: criteria provided, single submitter. Criteria: Ambry Variant Classification Scheme 2023. Collection method: clinical testing. Allele origin: germline.
Comment: The p.S2166R variant (also known as c.6498C>G), located in coding exon 44 of the LRRK2 gene, results from a C to G substitution at nucleotide position 6498. The serine at codon 2166 is replaced by arginine, an amino acid with dissimilar properties. This amino acid position is conserved. In addition, this alteration is predicted to be tolerated by in silico analysis. Since supporting evidence is limited at this time, the clinical significance of this alteration remains unclear.

NM_198578.4(LRRK2):c.6498C>G (p.Ser2166Arg)

Gene: LRRK2 (leucine rich repeat kinase 2; plus strand). Cytogenetic location: 12q12.
Variant type: single nucleotide variant.
Coding change: c.6498C>G on transcript NM_198578.4 (MANE Select); coding-DNA position 6498, C replaced by G.
Protein change: p.Ser2166Arg; replaces serine 2166 with arginine.
Molecular consequence: missense variant.
Genome position (GRCh38, 1-based): chr12:40,351,655, C>G. VCF-style: chr12-40351655-C-G. GRCh37 (hg19) VCF-style: chr12-40745457-C-G.
Other names: short protein forms S2166R.
Identifiers: ClinVar variation 3229734 (VCV003229734.1), dbSNP rs1946357523, ClinGen allele CA384407058.